The following is an entry in ClinVar:

ClinVar aggregate classification (germline): Pathogenic/Likely pathogenic. Review status: no assertion criteria provided (0 of 4 stars). 2 submissions from 2 submitters: Pathogenic (1); Likely pathogenic (1). Last evaluated 2017-11-07.

Conditions:
Secondary microcephaly. Also called: Postnatal microcephaly. Identifiers: MedGen C0431352, HP:0005484.
Expressive language delay. Identifiers: MedGen C0454641, HP:0002474.
Global developmental delay (DD). Also called: Cognitive delay. Identifiers: MedGen C0557874, HP:0001263. Disease mechanism: loss of function.
Neurodevelopmental disorder with dysmorphic facies and distal limb anomalies. Identifiers: Orphanet 686482, MedGen C4540327, MONDO:0060596, OMIM 617755.

Submissions (2):

OMIM
Classification: Pathogenic for NEURODEVELOPMENTAL DISORDER WITH DYSMORPHIC FACIES AND DISTAL LIMB ANOMALIES. Last evaluated: 2017-11-07. Review status: no assertion criteria provided. Collection method: literature only. Allele origin: germline.

Baylor Genetics
Classification: Likely pathogenic for Secondary microcephaly; Expressive language delay; Global developmental delay. Last evaluated: 2017-07-03. Review status: no assertion criteria provided. Collection method: research. Allele origin: de novo. Inheritance: Autosomal dominant inheritance. Affected: yes. Study: BPTF_variants.

Literature cited by the submitters: PubMed 28942966 (cited by OMIM and Baylor Genetics).

NM_182641.4(BPTF):c.8609T>G (p.Met2870Arg)

Gene: BPTF (bromodomain PHD finger transcription factor; plus strand). Cytogenetic location: 17q24.2.
Variant type: single nucleotide variant.
Coding change: c.8609T>G on transcript NM_182641.4 (MANE Select); coding-DNA position 8609, T replaced by G.
Protein change: p.Met2870Arg; replaces methionine 2870 with arginine.
Molecular consequence: missense variant.
Genome position (GRCh38, 1-based): chr17:67,975,841, T>G. VCF-style: chr17-67975841-T-G. GRCh37 (hg19) VCF-style: chr17-65971957-T-G.
Other names: c.8558T>G, p.Met2853Arg (NM_004459.7); short protein forms M2853R, M2870R.
Identifiers: ClinVar variation 431071 (VCV000431071.2), dbSNP rs782736894, ClinGen allele CA400733619.
Genomic context (GRCh38, chr17:67,975,841, plus strand): 5'-CCATGGAAGAAAGAGTACAAAGACGATATTATGAAAAGCTGACGGAATTTGTGGCAGATA[T>G]GACCAAAATTTTTGATAACTGTCGTTACTACAATCCAAGTGACTCCCCATTTTACCAGTG-3'
Protein context (NP_872579.2, residues 2860-2880): YEKLTEFVAD[Met2870Arg]TKIFDNCRYY